The following is an entry in ClinVar:

ClinVar aggregate classification (germline): Uncertain significance (1 of 4 stars; one submission).

Conditions:
Diamond-Blackfan anemia. Also called: Blackfan Diamond syndrome; Aregenerative anemia chronic congenital; Red cell aplasia, pure hereditary; Congenital hypoplastic anemia; Aase syndrome. Identifiers: Orphanet 124, MedGen C1260899, MeSH D029503, MONDO:0015253, HP:0004810.

Allele frequency attached by ClinVar (database versions not stated): ExAC 0.00001; gnomAD exomes 0.00001.
gnomAD v4.1: 4 of 1,612,104 alleles (0.00025%); highest among the groups gnomAD compares: Admixed American, 0.005%; no homozygotes.

Submission:

Labcorp Genetics (formerly Invitae), Labcorp
Classification: Uncertain significance for Diamond-Blackfan anemia. Last evaluated: 2025-09-02. Review status: criteria provided, single submitter. Criteria: Invitae Variant Classification Sherloc (09022015). Collection method: clinical testing. Allele origin: germline.
Comment: This sequence change replaces glutamine, which is neutral and polar, with histidine, which is basic and polar, at codon 222 of the RPL5 protein (p.Gln222His). This variant is present in population databases (rs767163981, gnomAD 0.006%). This variant has not been reported in the literature in individuals affected with RPL5-related conditions. ClinVar contains an entry for this variant (Variation ID: 939763). Invitae Evidence Modeling of protein sequence and biophysical properties (such as structural, functional, and spatial information, amino acid conservation, physicochemical variation, residue mobility, and thermodynamic stability) indicates that this missense variant is not expected to disrupt RPL5 protein function with a negative predictive value of 80%. In summary, the available evidence is currently insufficient to determine the role of this variant in disease. Therefore, it has been classified as a Variant of Uncertain Significance.

NM_000969.5(RPL5):c.666G>C (p.Gln222His)

Genes: DIPK1A (divergent protein kinase domain 1A; minus strand), RPL5 (ribosomal protein L5; plus strand). Cytogenetic location: 1p22.1.
Variant type: single nucleotide variant.
Coding change: c.666G>C on transcript NM_000969.5 (MANE Select); coding-DNA position 666, G replaced by C.
Protein change: p.Gln222His; replaces glutamine 222 with histidine.
Molecular consequence: missense variant. On other transcripts: non-coding transcript variant (1), intron variant (1).
Genome position (GRCh38, 1-based): chr1:92,837,594, G>C. VCF-style: chr1-92837594-G-C. GRCh37 (hg19) VCF-style: chr1-93303151-G-C.
Other names: c.475-4560C>G (NM_001252273.2); short protein forms Q222H.
Identifiers: ClinVar variation 939763 (VCV000939763.10), dbSNP rs767163981, ClinGen allele CA952534.
Genomic context (GRCh38, chr1:92,837,594, plus strand): 5'-GAATGTTGCAGATTACATGCGCTACTTAATGGAAGAAGATGAAGATGCTTACAAGAAACA[G>C]TTCTCTCAATACATAAAGAACAGCGTAACTCCAGACATGGTAAAACATTTACCTAAAAAT-3'
Protein context (NP_000960.2, residues 212-232): MEEDEDAYKK[Gln222His]FSQYIKNSVT